The following is an entry in ClinVar:

ClinVar aggregate classification (germline): Uncertain significance. Review status: criteria provided, multiple submitters, no conflicts (2 of 4 stars). 7 submissions from 7 submitters: Uncertain significance (7). Last evaluated 2026-01-20.

Conditions:
Epidermolysis bullosa simplex, Ogna type (EBS5A). Also called: Pidermolysis bullosa simplex 5A, Ogna type; EPIDERMOLYSIS BULLOSA SIMPLEX 5A, OGNA TYPE. Identifiers: Orphanet 79401, MedGen C0432317, MONDO:0007555, OMIM 131950.
Autosomal recessive limb-girdle muscular dystrophy type 2Q (LGMDR17). Also called: MUSCULAR DYSTROPHY, LIMB-GIRDLE, AUTOSOMAL RECESSIVE 17. Identifiers: Orphanet 254361, MedGen C3150989, MONDO:0013390, OMIM 613723.
Epidermolysis bullosa simplex 5B, with muscular dystrophy (EBS5B). Also called: Epidermolysis bullosa simplex with muscular dystrophy; EPIDERMOLYSIS BULLOSA SIMPLEX AND LIMB-GIRDLE MUSCULAR DYSTROPHY. Identifiers: Orphanet 257, MedGen C2931072, MONDO:0009181, OMIM 226670.
Epidermolysis bullosa simplex with nail dystrophy (EBS5D). Identifiers: MedGen C4225309, MONDO:0014661, OMIM 616487.
Epidermolysis bullosa simplex 5C, with pyloric atresia (EBS5C). Also called: PLEC-Related Epidermolysis Bullosa with Pyloric Atresia; Epidermolysis bullosa simplex with pyloric atresia; PLEC1-Related Epidermolysis Bullosa with Pyloric Atresia. Identifiers: Orphanet 158684, MedGen C2677349, MONDO:0012807, OMIM 612138.
PLEC-related disorder. Also called: PLEC-related condition; PLEC-related disorders.

Allele frequency attached by ClinVar (database versions not stated): TOPMed 0.00006; gnomAD 0.00011 and 0.00012; 1000 Genomes Project 30x 0.00016; 1000 Genomes Project 0.00020.
gnomAD v4.1: 99 of 1,599,016 alleles (0.0062%); highest among the groups gnomAD compares: East Asian, 0.023%; no homozygotes.

Submissions (7):

PreventionGenetics, part of Exact Sciences
Classification: Uncertain significance for PLEC-related condition. Last evaluated: 2026-01-20. Review status: criteria provided, single submitter. Criteria: ACMG Guidelines, 2015. Collection method: clinical testing. Allele origin: germline.
Comment: The PLEC c.3257C>T variant is predicted to result in the amino acid substitution p.Ala1086Val. This variant was reported along with second PLEC variant in an individual with muscular dystrophy and congenital myopathy (Table 2, Dai et al. 2015. PubMed ID: 25987458). This variant is reported in 0.084% of alleles in individuals of European (Finnish) descent in gnomAD. At this time, the clinical significance of this variant is uncertain due to the absence of conclusive functional and genetic evidence.

Labcorp Genetics (formerly Invitae), Labcorp
Classification: Uncertain significance for Autosomal recessive limb-girdle muscular dystrophy type 2Q; Epidermolysis bullosa simplex, Ogna type; Epidermolysis bullosa simplex with nail dystrophy; Epidermolysis bullosa simplex 5C, with pyloric atresia; Epidermolysis bullosa simplex 5B, with muscular dystrophy. Last evaluated: 2025-10-02. Review status: criteria provided, single submitter. Criteria: Invitae Variant Classification Sherloc (09022015). Collection method: clinical testing. Allele origin: germline.
Comment: This sequence change replaces alanine, which is neutral and non-polar, with valine, which is neutral and non-polar, at codon 1086 of the PLEC protein (p.Ala1086Val). This variant is present in population databases (rs529986115, gnomAD 0.08%). This missense change has been observed in individual(s) with PLEC-related disease (PMID: 25987458). ClinVar contains an entry for this variant (Variation ID: 471570). Invitae Evidence Modeling of protein sequence and biophysical properties (such as structural, functional, and spatial information, amino acid conservation, physicochemical variation, residue mobility, and thermodynamic stability) indicates that this missense variant is not expected to disrupt PLEC protein function with a negative predictive value of 80%. In summary, the available evidence is currently insufficient to determine the role of this variant in disease. Therefore, it has been classified as a Variant of Uncertain Significance.

Blueprint Genetics
Classification: Uncertain significance. Last evaluated: 2024-05-22. Review status: criteria provided, single submitter. Criteria: ACMG Guidelines, 2015. Collection method: clinical testing. Allele origin: germline.

Revvity Omics, Revvity
Classification: Uncertain significance. Last evaluated: 2023-02-21. Review status: criteria provided, single submitter. Criteria: ACMG Guidelines, 2015. Collection method: clinical testing. Allele origin: germline.

CeGaT Center for Human Genetics Tuebingen
Classification: Uncertain significance. Last evaluated: 2022-06-01. Review status: criteria provided, single submitter. Criteria: CeGaT Center For Human Genetics Tuebingen Variant Classification Criteria Version 2. Collection method: clinical testing. Allele origin: germline. Affected: yes. Observed: 1 variant allele.
Comment: PLEC: PM2

GeneDx
Classification: Uncertain significance. Last evaluated: 2020-12-11. Review status: criteria provided, single submitter. Criteria: GeneDx Variant Classification Process June 2021. Collection method: clinical testing. Allele origin: germline. Affected: yes.
Comment: Reported in an individual with myopathic change with autophagy, who harbored a second PLEC variant in unknown phase (Dai et al., 2015); In silico analysis supports that this missense variant has a deleterious effect on protein structure/function; This variant is associated with the following publications: (PMID: 25987458)

Breakthrough Genomics
Classification: Uncertain significance. Review status: criteria provided, single submitter. Criteria: ACMG Guidelines, 2015. Collection method: not provided. Allele origin: germline. Inheritance: Autosomal recessive inheritance. Affected: yes.

Literature cited by the submitters: PubMed 25987458 (cited by Labcorp Genetics (formerly Invitae), Labcorp).

NM_201384.3(PLEC):c.3176C>T (p.Ala1059Val)

Gene: PLEC (plectin; minus strand). Cytogenetic location: 8q24.3.
Variant type: single nucleotide variant.
Coding change: c.3176C>T on transcript NM_201384.3 (MANE Select); coding-DNA position 3176, C replaced by T.
Protein change: p.Ala1059Val; replaces alanine 1059 with valine.
Molecular consequence: missense variant.
Genome position (GRCh38, 1-based): chr8:143,929,187, G>A on the plus strand (C>T on the coding strand, the complement: PLEC is on the minus strand). VCF-style: chr8-143929187-G-A. GRCh37 (hg19) VCF-style: chr8-145003355-G-A.
Other names: c.3257C>T, p.Ala1086Val (NM_000445.5); c.3134C>T, p.Ala1045Val (NM_201378.4); c.3110C>T, p.Ala1037Val (NM_201379.3); c.3587C>T, p.Ala1196Val (NM_201380.4); c.3080C>T, p.Ala1027Val (NM_201381.3); c.3176C>T, p.Ala1059Val (NM_201382.4); c.3188C>T, p.Ala1063Val (NM_201383.3); short protein forms A1027V, A1045V, A1059V, A1086V, A1037V, A1196V, A1063V.
Identifiers: ClinVar variation 471570 (VCV000471570.45), dbSNP rs529986115, ClinGen allele CA4927182.